The following is an entry in ClinVar:

NM_014014.5(SNRNP200):c.2698A>C (p.Met900Leu)

Gene: SNRNP200 (small nuclear ribonucleoprotein U5 subunit 200; minus strand). Cytogenetic location: 2q11.2.
Variant type: single nucleotide variant.
Coding change: c.2698A>C on transcript NM_014014.5 (MANE Select); coding-DNA position 2698, A replaced by C.
Protein change: p.Met900Leu; replaces methionine 900 with leucine.
Molecular consequence: missense variant.
Genome position (GRCh38, 1-based): chr2:96,290,370, T>G on the plus strand (A>C on the coding strand, the complement: SNRNP200 is on the minus strand). VCF-style: chr2-96290370-T-G. GRCh37 (hg19) VCF-style: chr2-96956108-T-G.
Other names: short protein forms M900L.
Identifiers: ClinVar variation 1363522 (VCV001363522.8), dbSNP rs2063876895, ClinGen allele CA347676117.

ClinVar aggregate classification (germline): Uncertain significance (1 of 4 stars; one submission).

Allele frequency attached by ClinVar (database versions not stated): gnomAD exomes below 0.00001; TOPMed below 0.00001.
gnomAD v4.1: 1 of 1,614,222 alleles (0.000062%); highest among the groups gnomAD compares: Non-Finnish European, 0.000085%; no homozygotes.

Submission:

Labcorp Genetics (formerly Invitae), Labcorp
Classification: Uncertain significance. Last evaluated: 2022-08-22. Review status: criteria provided, single submitter. Criteria: Invitae Variant Classification Sherloc (09022015). Collection method: clinical testing. Allele origin: germline.
Comment: Algorithms developed to predict the effect of missense changes on protein structure and function (SIFT, PolyPhen-2, Align-GVGD) all suggest that this variant is likely to be tolerated. In summary, the available evidence is currently insufficient to determine the role of this variant in disease. Therefore, it has been classified as a Variant of Uncertain Significance. ClinVar contains an entry for this variant (Variation ID: 1363522). This variant has not been reported in the literature in individuals affected with SNRNP200-related conditions. This variant is not present in population databases (gnomAD no frequency). This sequence change replaces methionine, which is neutral and non-polar, with leucine, which is neutral and non-polar, at codon 900 of the SNRNP200 protein (p.Met900Leu).